The following is an entry in ClinVar:

ClinVar aggregate classification (germline): Likely pathogenic (1 of 4 stars; one submission).

Conditions:
Early-infantile DEE. Also called: Early infantile epileptic encephalopathy; Early infantile epileptic encephalopathy with suppression bursts; Ohtahara syndrome. Identifiers: Orphanet 1934, MedGen C0393706, MONDO:0800491.

Submission:

Labcorp Genetics (formerly Invitae), Labcorp
Classification: Likely pathogenic for Early-infantile DEE. Last evaluated: 2025-08-06. Review status: criteria provided, single submitter. Criteria: Invitae Variant Classification Sherloc (09022015). Collection method: clinical testing. Allele origin: germline.
Comment: This sequence change replaces leucine, which is neutral and non-polar, with arginine, which is basic and polar, at codon 245 of the KCNQ2 protein (p.Leu245Arg). This variant is not present in population databases (gnomAD no frequency). This variant has not been reported in the literature in individuals affected with KCNQ2-related conditions. Invitae Evidence Modeling of protein sequence and biophysical properties (such as structural, functional, and spatial information, amino acid conservation, physicochemical variation, residue mobility, and thermodynamic stability) indicates that this missense variant is expected to disrupt KCNQ2 protein function with a positive predictive value of 95%. This variant disrupts the p.Leu245 amino acid residue in KCNQ2. Other variant(s) that disrupt this residue have been determined to be pathogenic (internal data). This suggests that this residue is clinically significant, and that variants that disrupt this residue are likely to be disease-causing. In summary, the currently available evidence indicates that the variant is pathogenic, but additional data are needed to prove that conclusively. Therefore, this variant has been classified as Likely Pathogenic.

NM_172107.4(KCNQ2):c.734T>G (p.Leu245Arg)

Gene: KCNQ2 (potassium voltage-gated channel subfamily Q member 2; minus strand). Cytogenetic location: 20q13.33.
Variant type: single nucleotide variant.
Coding change: c.734T>G on transcript NM_172107.4 (MANE Select); coding-DNA position 734, T replaced by G.
Protein change: p.Leu245Arg; replaces leucine 245 with arginine.
Molecular consequence: missense variant.
Genome position (GRCh38, 1-based): chr20:63,442,488, A>C on the plus strand (T>G on the coding strand, the complement: KCNQ2 is on the minus strand). VCF-style: chr20-63442488-A-C. GRCh37 (hg19) VCF-style: chr20-62073841-A-C.
Other names: c.734T>G, p.Leu245Arg (NM_001382235.1, NM_001439003.1, NM_001439004.1 and 4 more transcripts); short protein forms L245R.
Identifiers: ClinVar variation 4803157 (VCV004803157.1).